The following is an entry in ClinVar:

NM_001308093.3(GATA4):c.1010G>A (p.Gly337Asp)

Gene: GATA4 (GATA binding protein 4). Cytogenetic location: 8p23.1.
Variant type: single nucleotide variant.
Coding change: c.1010G>A on transcript NM_001308093.3 (MANE Select); coding-DNA position 1010, G replaced by A.
Protein change: p.Gly337Asp; replaces glycine 337 with aspartic acid.
Molecular consequence: missense variant.
Genome position (GRCh38, 1-based): chr8:11,756,944, G>A. VCF-style: chr8-11756944-G-A. GRCh37 (hg19) VCF-style: chr8-11614453-G-A.
Other names: c.389G>A, p.Gly130Asp (NM_001308094.2, NM_001374273.1); c.263G>A, p.Gly88Asp (NM_001374274.1); c.1007G>A, p.Gly336Asp (NM_002052.5); short protein forms G337D, G336D, G130D, G88D.
Identifiers: ClinVar variation 3704318 (VCV003704318.2).

ClinVar aggregate classification (germline): Uncertain significance (1 of 4 stars; one submission).

Conditions:
Atrioventricular septal defect 4 (AVSD4). Identifiers: MedGen C3280781, MONDO:0013747, OMIM 614430.

gnomAD v4.1: 2 of 1,614,092 alleles (0.00012%); highest among the groups gnomAD compares: Non-Finnish European, 0.00017%; no homozygotes.

Submission:

Labcorp Genetics (formerly Invitae), Labcorp
Classification: Uncertain significance for Atrioventricular septal defect 4. Last evaluated: 2024-07-30. Review status: criteria provided, single submitter. Criteria: Invitae Variant Classification Sherloc (09022015). Collection method: clinical testing. Allele origin: germline.
Comment: This sequence change replaces glycine, which is neutral and non-polar, with aspartic acid, which is acidic and polar, at codon 336 of the GATA4 protein (p.Gly336Asp). This variant is not present in population databases (gnomAD no frequency). This variant has not been reported in the literature in individuals affected with GATA4-related conditions. Advanced modeling of protein sequence and biophysical properties (such as structural, functional, and spatial information, amino acid conservation, physicochemical variation, residue mobility, and thermodynamic stability) performed at Invitae indicates that this missense variant is not expected to disrupt GATA4 protein function with a negative predictive value of 80%. In summary, the available evidence is currently insufficient to determine the role of this variant in disease. Therefore, it has been classified as a Variant of Uncertain Significance.